The following is an entry in ClinVar:

ClinVar aggregate classification (germline): Uncertain significance (1 of 4 stars; one submission).

Submission:

GeneDx
Classification: Uncertain significance. Last evaluated: 2023-02-15. Review status: criteria provided, single submitter. Criteria: GeneDx Variant Classification Process June 2021. Collection method: clinical testing. Allele origin: germline. Affected: yes.
Comment: Not observed at significant frequency in large population cohorts (gnomAD); In silico analysis supports that this missense variant has a deleterious effect on protein structure/function; Has not been previously published as pathogenic or benign to our knowledge

NM_001348768.2(HECW2):c.797A>C (p.Lys266Thr)

Gene: HECW2 (HECT, C2 and WW domain containing E3 ubiquitin protein ligase 2; minus strand). Cytogenetic location: 2q32.3.
Variant type: single nucleotide variant.
Coding change: c.797A>C on transcript NM_001348768.2 (MANE Select); coding-DNA position 797, A replaced by C.
Protein change: p.Lys266Thr; replaces lysine 266 with threonine.
Molecular consequence: missense variant. On other transcripts: 5 prime UTR variant (1).
Genome position (GRCh38, 1-based): chr2:196,322,565, T>G on the plus strand (A>C on the coding strand, the complement: HECW2 is on the minus strand). VCF-style: chr2-196322565-T-G. GRCh37 (hg19) VCF-style: chr2-197187289-T-G.
Other names: c.-171A>C (NM_001304840.3); c.797A>C, p.Lys266Thr (NM_020760.4); short protein forms K266T.
Identifiers: ClinVar variation 2576673 (VCV002576673.1), dbSNP rs2469062829, ClinGen allele CA349968847.